The following is an entry in ClinVar:

NM_003737.4(DCHS1):c.4537G>C (p.Val1513Leu)

Gene: DCHS1 (dachsous cadherin-related 1; minus strand). Cytogenetic location: 11p15.4.
Variant type: single nucleotide variant.
Coding change: c.4537G>C on transcript NM_003737.4 (MANE Select); coding-DNA position 4537, G replaced by C.
Protein change: p.Val1513Leu; replaces valine 1513 with leucine.
Molecular consequence: missense variant.
Genome position (GRCh38, 1-based): chr11:6,630,257, C>G on the plus strand (G>C on the coding strand, the complement: DCHS1 is on the minus strand). VCF-style: chr11-6630257-C-G. GRCh37 (hg19) VCF-style: chr11-6651488-C-G.
Other names: short protein forms V1513L.
Identifiers: ClinVar variation 2815658 (VCV002815658.3), dbSNP rs2134625603, ClinGen allele CA379404184.

ClinVar aggregate classification (germline): Uncertain significance (1 of 4 stars; one submission).

Submission:

Labcorp Genetics (formerly Invitae), Labcorp
Classification: Uncertain significance. Last evaluated: 2023-06-20. Review status: criteria provided, single submitter. Criteria: Invitae Variant Classification Sherloc (09022015). Collection method: clinical testing. Allele origin: germline.
Comment: In summary, the available evidence is currently insufficient to determine the role of this variant in disease. Therefore, it has been classified as a Variant of Uncertain Significance. Advanced modeling of protein sequence and biophysical properties (such as structural, functional, and spatial information, amino acid conservation, physicochemical variation, residue mobility, and thermodynamic stability) has been performed at Invitae for this missense variant, however the output from this modeling did not meet the statistical confidence thresholds required to predict the impact of this variant on DCHS1 protein function. This variant has not been reported in the literature in individuals affected with DCHS1-related conditions. This variant is not present in population databases (gnomAD no frequency). This sequence change replaces valine, which is neutral and non-polar, with leucine, which is neutral and non-polar, at codon 1513 of the DCHS1 protein (p.Val1513Leu).